The following is an entry in ClinVar:

ClinVar aggregate classification (germline): Benign. Review status: criteria provided, single submitter (1 of 4 stars). 2 submissions from 2 submitters: Benign (1). 1 of the submissions does not count toward it. Last evaluated 2024-10-07.

Conditions:
P4HB-related disorder. Also called: P4HB-related condition.

Allele frequency attached by ClinVar (database versions not stated): gnomAD 0.00001; TOPMed 0.00005; gnomAD exomes 0.00012; ExAC 0.00014.
gnomAD v4.1: 38 of 1,612,896 alleles (0.0024%); highest among the groups gnomAD compares: Admixed American, 0.063%; no homozygotes.

Submissions (2):

Labcorp Genetics (formerly Invitae), Labcorp
Classification: Benign. Last evaluated: 2024-10-07. Review status: criteria provided, single submitter. Criteria: Invitae Variant Classification Sherloc (09022015). Collection method: clinical testing. Allele origin: germline.

PreventionGenetics, part of Exact Sciences
Classification: Likely benign for P4HB-related condition. Last evaluated: 2021-07-26. Review status: no assertion criteria provided. Collection method: clinical testing. Allele origin: germline. Not counted in ClinVar's aggregate classification.
Comment: This variant is classified as likely benign based on ACMG/AMP sequence variant interpretation guidelines (Richards et al. 2015 PMID: 25741868, with internal and published modifications).

NM_000918.4(P4HB):c.856-8T>A

Gene: P4HB (prolyl 4-hydroxylase subunit beta; minus strand). Cytogenetic location: 17q25.3.
Variant type: single nucleotide variant.
Coding change: c.856-8T>A on transcript NM_000918.4 (MANE Select); 8 bases into the intron before coding-DNA position 856, T replaced by A.
Molecular consequence: intron variant.
Genome position (GRCh38, 1-based): chr17:81,846,637, A>T on the plus strand (T>A on the coding strand, the complement: P4HB is on the minus strand). VCF-style: chr17-81846637-A-T. GRCh37 (hg19) VCF-style: chr17-79804513-A-T.
Identifiers: ClinVar variation 757480 (VCV000757480.10), dbSNP rs752394154, ClinGen allele CA8842804.